The following is an entry in ClinVar:

NM_000539.3(RHO):c.335T>C (p.Leu112Ser)

Gene: RHO (rhodopsin; plus strand). Cytogenetic location: 3q22.1.
Variant type: single nucleotide variant.
Coding change: c.335T>C on transcript NM_000539.3 (MANE Select); coding-DNA position 335, T replaced by C.
Protein change: p.Leu112Ser; replaces leucine 112 with serine.
Molecular consequence: missense variant.
Genome position (GRCh38, 1-based): chr3:129,529,068, T>C. VCF-style: chr3-129529068-T-C. GRCh37 (hg19) VCF-style: chr3-129247911-T-C.
Other names: short protein forms L112S.
Identifiers: ClinVar variation 1347191 (VCV001347191.7), dbSNP rs371461422, ClinGen allele CA82647073.

ClinVar aggregate classification (germline): Uncertain significance. Review status: criteria provided, multiple submitters, no conflicts (2 of 4 stars). 2 submissions from 2 submitters: Uncertain significance (2). Last evaluated 2026-05-13.

Conditions:
RHO-related disorder. Also called: RHO-related condition.

Allele frequency attached by ClinVar (database versions not stated): gnomAD 0.00001; gnomAD exomes 0.00002 and 0.00005; TOPMed 0.00003; ESP Exome Variant Server 0.00008.
gnomAD v4.1: 81 of 1,613,284 alleles (0.005%); highest among the groups gnomAD compares: Non-Finnish European, 0.0064%; no homozygotes.

Submissions (2):

PreventionGenetics, part of Exact Sciences
Classification: Uncertain significance for RHO-related condition. Last evaluated: 2026-05-13. Review status: criteria provided, single submitter. Criteria: ACMG Guidelines, 2015. Collection method: clinical testing. Allele origin: germline.
Comment: The RHO c.335T>C variant is predicted to result in the amino acid substitution p.Leu112Ser. To our knowledge, this variant has not been reported in the literature. This variant is reported in 0.0065% of alleles in individuals of South Asian descent in gnomAD. At this time, the clinical significance of this variant is uncertain due to the absence of conclusive functional and genetic evidence.

Labcorp Genetics (formerly Invitae), Labcorp
Classification: Uncertain significance. Last evaluated: 2024-07-31. Review status: criteria provided, single submitter. Criteria: Invitae Variant Classification Sherloc (09022015). Collection method: clinical testing. Allele origin: germline.
Comment: This sequence change replaces leucine, which is neutral and non-polar, with serine, which is neutral and polar, at codon 112 of the RHO protein (p.Leu112Ser). This variant is present in population databases (rs371461422, gnomAD 0.006%). This variant has not been reported in the literature in individuals affected with RHO-related conditions. ClinVar contains an entry for this variant (Variation ID: 1347191). Advanced modeling of protein sequence and biophysical properties (such as structural, functional, and spatial information, amino acid conservation, physicochemical variation, residue mobility, and thermodynamic stability) performed at Invitae indicates that this missense variant is not expected to disrupt RHO protein function with a negative predictive value of 80%. In summary, the available evidence is currently insufficient to determine the role of this variant in disease. Therefore, it has been classified as a Variant of Uncertain Significance.